The following is an entry in ClinVar:

ClinVar aggregate classification (germline): Benign/Likely benign. Review status: criteria provided, multiple submitters, no conflicts (2 of 4 stars). 6 submissions from 6 submitters: Benign (1); Likely benign (4). 1 of the submissions does not count toward it. Last evaluated 2026-01-27.

Conditions:
Paroxysmal nonkinesigenic dyskinesia. Also called: Paroxysmal non-kinesigenic dyskinesia. Identifiers: Orphanet 98810, MedGen C1869117, MONDO:0700088.
PNKD-related disorder. Also called: PNKD-related condition.
Paroxysmal nonkinesigenic dyskinesia 1 (PNKD1). Also called: PAROXYSMAL DYSTONIC CHOREOATHETOSIS; Familial Paroxysmal Nonkinesigenic Dyskinesia; DYSTONIA 8; MOUNT-REBACK SYNDROME; PxMD-PNKD; Nonkinesigenic choreoathetosis. Identifiers: Orphanet 98810, MedGen C4551506, MONDO:0700089, OMIM 118800, MONDO:0007326.

Allele frequency attached by ClinVar (database versions not stated): gnomAD 0.00042 and 0.00044; gnomAD exomes 0.00048 and 0.00056; ESP Exome Variant Server 0.00085; TOPMed 0.00056; ExAC 0.00053.
gnomAD v4.1: 866 of 1,582,636 alleles (0.055%); highest among the groups gnomAD compares: Middle Eastern, 0.083%; 2 homozygotes.

Submissions (6):

Labcorp Genetics (formerly Invitae), Labcorp
Classification: Likely benign for Paroxysmal nonkinesigenic dyskinesia. Last evaluated: 2026-01-27. Review status: criteria provided, single submitter. Criteria: Invitae Variant Classification Sherloc (09022015). Collection method: clinical testing. Allele origin: germline.

Mayo Clinic Laboratories, Mayo Clinic
Classification: Likely benign. Last evaluated: 2025-07-23. Review status: criteria provided, single submitter. Criteria: ACMG Guidelines, 2015. Collection method: clinical testing. Allele origin: germline. Observed: 2 variant alleles.
Comment: BS2, BP4, BP7

Blueprint Genetics
Classification: Likely benign. Last evaluated: 2024-10-17. Review status: criteria provided, single submitter. Criteria: ACMG Guidelines, 2015. Collection method: clinical testing. Allele origin: germline.

GeneDx
Classification: Likely benign. Last evaluated: 2020-09-01. Review status: criteria provided, single submitter. Criteria: GeneDx Variant Classification Process June 2021. Collection method: clinical testing. Allele origin: germline. Affected: yes.

Illumina Laboratory Services, Illumina
Classification: Benign for Paroxysmal nonkinesigenic dyskinesia 1. Last evaluated: 2018-01-13. Review status: criteria provided, single submitter. Criteria: ICSL Variant Classification Criteria 13 December 2019. Collection method: clinical testing. Allele origin: germline.
Comment: This variant was observed in the ICSL laboratory as part of a predisposition screen in an ostensibly healthy population. It had not been previously curated by ICSL or reported in the Human Gene Mutation Database (HGMD: prior to June 1st, 2018), and was therefore a candidate for classification through an automated scoring system. Utilizing variant allele frequency, disease prevalence and penetrance estimates, and inheritance mode, an automated score was calculated to assess if this variant is too frequent to cause the disease. Based on the score and internal cut-off values, a variant classified as benign is not then subjected to further curation. The score for this variant resulted in a classification of benign for this disease.

PreventionGenetics, part of Exact Sciences
Classification: Likely benign for PNKD-related condition. Last evaluated: 2020-05-22. Review status: no assertion criteria provided. Collection method: clinical testing. Allele origin: germline. Not counted in ClinVar's aggregate classification.
Comment: This variant is classified as likely benign based on ACMG/AMP sequence variant interpretation guidelines (Richards et al. 2015 PMID: 25741868, with internal and published modifications).

NM_015488.5(PNKD):c.237-9G>A

Genes: CATIP-AS2 (CATIP antisense RNA 2; minus strand), PNKD (PNKD metallo-beta-lactamase domain containing; plus strand). Cytogenetic location: 2q35.
Variant type: single nucleotide variant.
Coding change: c.237-9G>A on transcript NM_015488.5 (MANE Select); 9 bases into the intron before coding-DNA position 237, G replaced by A.
Molecular consequence: intron variant.
Genome position (GRCh38, 1-based): chr2:218,339,774, G>A. VCF-style: chr2-218339774-G-A. GRCh37 (hg19) VCF-style: chr2-219204497-G-A.
Other names: p.?; c.165-9G>A (NM_022572.4).
Identifiers: ClinVar variation 415731 (VCV000415731.22), dbSNP rs371173395, ClinGen allele CA2103865.